The following is an entry in ClinVar:

NM_005732.4(RAD50):c.129+5G>A

Gene: RAD50 (RAD50 double strand break repair protein; plus strand). Cytogenetic location: 5q31.1.
Variant type: single nucleotide variant.
Coding change: c.129+5G>A on transcript NM_005732.4 (MANE Select); 5 bases into the intron after coding-DNA position 129, G replaced by A.
Molecular consequence: intron variant.
Genome position (GRCh38, 1-based): chr5:132,557,458, G>A. VCF-style: chr5-132557458-G-A. GRCh37 (hg19) VCF-style: chr5-131893150-G-A.
Identifiers: ClinVar variation 140976 (VCV000140976.27), dbSNP rs587781409, ClinGen allele CA333178.

ClinVar aggregate classification (germline): Uncertain significance. Review status: criteria provided, multiple submitters, no conflicts (2 of 4 stars). 8 submissions from 8 submitters: Uncertain significance (7). 1 of the submissions does not count toward it. Last evaluated 2025-09-29.

Conditions:
RAD50-related disorder. Also called: RAD50-related condition.
Hereditary cancer-predisposing syndrome. Also called: Neoplastic Syndromes, Hereditary; Tumor predisposition; Hereditary Cancer Syndrome; Hereditary neoplastic syndrome. Identifiers: Orphanet 140162, MedGen C0027672, MeSH D009386, MONDO:0015356.
Nijmegen breakage syndrome-like disorder (NBSLD). Also called: MICROCEPHALY AND SPONTANEOUS CHROMOSOME INSTABILITY WITHOUT IMMUNODEFICIENCY; NBS-LIKE DISORDER; RAD50 DEFICIENCY. Identifiers: Orphanet 240760, MedGen C2751318, MONDO:0013118, OMIM 613078.

Allele frequency attached by ClinVar (database versions not stated): ExAC 0.00001; gnomAD 0.00001; gnomAD exomes 0.00002; TOPMed 0.00003.
gnomAD v4.1: 84 of 1,614,082 alleles (0.0052%); highest among the groups gnomAD compares: Non-Finnish European, 0.0068%; no homozygotes.

Submissions (8):

Labcorp Genetics (formerly Invitae), Labcorp
Classification: Uncertain significance for Hereditary cancer-predisposing syndrome. Last evaluated: 2025-09-29. Review status: criteria provided, single submitter. Criteria: Invitae Variant Classification Sherloc (09022015). Collection method: clinical testing. Allele origin: germline.
Comment: This sequence change falls in intron 1 of the RAD50 gene. It does not directly change the encoded amino acid sequence of the RAD50 protein. It affects a nucleotide within the consensus splice site. This variant is present in population databases (rs587781409, gnomAD 0.006%). This variant has not been reported in the literature in individuals affected with RAD50-related conditions. ClinVar contains an entry for this variant (Variation ID: 140976). Variants that disrupt the consensus splice site are a relatively common cause of aberrant splicing (PMID: 17576681, 9536098). Studies have shown that this variant is associated with inconclusive levels of altered splicing (internal data). In summary, the available evidence is currently insufficient to determine the role of this variant in disease. Therefore, it has been classified as a Variant of Uncertain Significance.

GeneDx
Classification: Uncertain significance. Last evaluated: 2025-02-11. Review status: criteria provided, single submitter. Criteria: GeneDx Variant Classification Process June 2021. Collection method: clinical testing. Allele origin: germline. Affected: yes.
Comment: Intronic +5 splice site variant in a gene for which loss of function is a known mechanism of disease, and both splice predictors and evolutionary conservation support a deleterious effect, although in the absence of functional evidence the actual effect of this sequence change is unknown.; Observed in individual(s) with personal or family history of breast, ovarian, or other cancer (PMID: 35534704); This variant is associated with the following publications: (PMID: 35534704)

Women's Health and Genetics/Laboratory Corporation of America, LabCorp
Classification: Uncertain significance. Last evaluated: 2024-01-11. Review status: criteria provided, single submitter. Criteria: LabCorp Variant Classification Summary - May 2015. Collection method: clinical testing. Allele origin: germline.
Comment: Variant summary: RAD50 c.129+5G>A alters a conserved nucleotide located close to a canonical splice site and therefore could affect mRNA splicing, leading to a significantly altered protein sequence. Several computational tools predict a significant impact on normal splicing: Three predict the variant weakens a canonical 5' donor site. However, these predictions have yet to be confirmed by functional studies. The variant allele was found at a frequency of 5.2e-05 in 1614082 control chromosomes, predominantly at a frequency of 6.8e-05 within the Non-Finnish European subpopulation in the gnomAD database. The observed variant frequency within Non-Finnish European control individuals in the gnomAD database is approximately 1 fold of the estimated maximal expected allele frequency for a pathogenic variant in RAD50 causing Hereditary Breast And Ovarian Cancer Syndrome phenotype (6.3e-05), strongly suggesting that the variant is a benign polymorphism found primarily in populations of Non-Finnish European origin. c.129+5G>A has been reported in the literature in at-least one individual affected with breast and/or ovarian cancer and the authors of this report classified the variant as VUS (example: de Oliveira_2022). The following publication has been ascertained in the context of this evaluation (PMID: 35534704). To our knowledge, no experimental evidence demonstrating an impact on protein function has been reported. ClinVar contains an entry for this variant (Variation ID: 140976). Based on the evidence outlined above, the variant was classified as VUS-possibly benign.

Baylor Genetics
Classification: Uncertain significance for Nijmegen breakage syndrome-like disorder. Last evaluated: 2023-12-01. Review status: criteria provided, single submitter. Criteria: ACMG Guidelines, 2015. Collection method: clinical testing. Allele origin: unknown.

Ambry Genetics
Classification: Uncertain significance for Hereditary cancer-predisposing syndrome. Last evaluated: 2023-06-05. Review status: criteria provided, single submitter. Criteria: Ambry Variant Classification Scheme 2023. Collection method: clinical testing. Allele origin: germline.
Comment: The c.129+5G>A intronic variant results from a G to A substitution 5 nucleotides after coding exon 1 in the RAD50 gene. This nucleotide position is highly conserved in available vertebrate species. In silico splice site analysis predicts that this alteration will weaken the native splice donor site. Since supporting evidence is limited at this time, the clinical significance of this alteration remains unclear.

Quest Diagnostics Nichols Institute San Juan Capistrano
Classification: Uncertain significance. Last evaluated: 2022-09-21. Review status: criteria provided, single submitter. Criteria: Quest Diagnostics criteria. Collection method: clinical testing. Allele origin: unknown.
Comment: The variant has not been reported in the published literature. The frequency of this variant in the general population, 0.000055 (7/128412 chromosomes), is uninformative in assessment of its pathogenicity. Analysis of this variant using software algorithms for the prediction of the effect of nucleotide changes on RAD50 mRNA splicing yielded inconclusive findings . Based on the available information, we are unable to determine the clinical significance of this variant.

Sema4
Classification: Uncertain significance for Nijmegen breakage syndrome-like disorder. Last evaluated: 2022-03-18. Review status: criteria provided, single submitter. Criteria: Sema4 Curation Guidelines. Collection method: curation. Allele origin: germline.
Comment: The RAD50 c.129+5G>A variant has not been reported in the literature to our knowledge. This variant was observed in 7/128412 chromosomes in the Non-Finnish European population according to the Genome Aggregation Database (PMID: 32461654). The variant has been reported in ClinVar (Variation ID: 140976). Algorithms developed to predict the effect of sequence changes on RNA splicing suggest that this variant may disrupt the consensus splice site, but this prediction has not been confirmed by transcriptional studies. The evidence is insufficient to meet ACMG/AMP criteria for classifying the variant as benign or pathogenic. Thus, the clinical significance of this variant is currently uncertain.

PreventionGenetics, part of Exact Sciences
Classification: Likely benign for RAD50-related condition. Last evaluated: 2019-11-15. Review status: no assertion criteria provided. Collection method: clinical testing. Allele origin: germline. Not counted in ClinVar's aggregate classification.
Comment: This variant is classified as likely benign based on ACMG/AMP sequence variant interpretation guidelines (Richards et al. 2015 PMID: 25741868, with internal and published modifications).

Literature cited by the submitters: PubMed 17576681 (cited by Labcorp Genetics (formerly Invitae), Labcorp); PubMed 9536098 (cited by Labcorp Genetics (formerly Invitae), Labcorp); PubMed 35534704 (cited by Women's Health and Genetics/Laboratory Corporation of America, LabCorp).